The following is an entry in ClinVar:

ClinVar aggregate classification (germline): Pathogenic (1 of 4 stars; one submission).

Conditions:
Cerebral creatine deficiency syndrome. Also called: Creatine deficiency syndromes. Identifiers: Orphanet 79172, MedGen C5244016, MONDO:0000456.

Submission:

Labcorp Genetics (formerly Invitae), Labcorp
Classification: Pathogenic for Cerebral creatine deficiency syndrome. Last evaluated: 2021-08-28. Review status: criteria provided, single submitter. Criteria: Invitae Variant Classification Sherloc (09022015). Collection method: clinical testing. Allele origin: germline.
Comment: This sequence change affects the initiator methionine of the GAMT mRNA. The next in-frame methionine is located at codon 42. The frequency data for this variant in the population databases is considered unreliable, as metrics indicate insufficient coverage at this position in the ExAC database. Disruption of the initiator codon has been observed in individual(s) with epilepsy and/or a neurodevelopmental disorder (PMID: 29655203). This variant disrupts a region of the GAMT protein in which other variant(s) (p.Trp20Ser ) have been determined to be pathogenic (PMID: 15108290, 15651030, 17336114, 21140503). This suggests that this is a clinically significant region of the protein, and that variants that disrupt it are likely to be disease-causing. For these reasons, this variant has been classified as Pathogenic.

Literature cited by the submitters: PubMed 29655203; PubMed 15108290; PubMed 15651030; PubMed 17336114; PubMed 21140503.

NM_000156.6(GAMT):c.2T>C (p.Met1Thr)

Genes: GAMT (guanidinoacetate N-methyltransferase; minus strand), LOC130062945 (ATAC-STARR-seq lymphoblastoid silent region 9707; plus strand). Cytogenetic location: 19p13.3.
Variant type: single nucleotide variant.
Coding change: c.2T>C on transcript NM_000156.6 (MANE Select); coding-DNA position 2, T replaced by C.
Protein change: p.Met1Thr; changes the start codon (methionine 1).
Molecular consequence: missense variant, initiator codon variant.
Genome position (GRCh38, 1-based): chr19:1,401,475, A>G on the plus strand (T>C on the coding strand, the complement: GAMT is on the minus strand). VCF-style: chr19-1401475-A-G. GRCh37 (hg19) VCF-style: chr19-1401474-A-G.
Other names: c.2T>C, p.Met1Thr (NM_138924.3); short protein forms M1T.
Identifiers: ClinVar variation 1452750 (VCV001452750.6), dbSNP rs2144641532, ClinGen allele CA402998586.